The following is an entry in ClinVar:

ClinVar aggregate classification (germline): Uncertain significance (1 of 4 stars; one submission).

Conditions:
Inborn genetic diseases. Identifiers: MedGen C0950123, MeSH D030342.

Allele frequency attached by ClinVar (database versions not stated): gnomAD exomes below 0.00001; ExAC 0.00001; gnomAD 0.00002; TOPMed 0.00004.
gnomAD v4.1: 5 of 1,614,110 alleles (0.00031%); highest among the groups gnomAD compares: African/African-American, 0.0053%; no homozygotes.

Submission:

Ambry Genetics
Classification: Uncertain significance for Inborn genetic diseases. Last evaluated: 2025-01-16. Review status: criteria provided, single submitter. Criteria: Ambry Variant Classification Scheme 2023. Collection method: clinical testing. Allele origin: germline.
Comment: The p.D190N variant (also known as c.568G>A), located in coding exon 5 of the USB1 gene, results from a G to A substitution at nucleotide position 568. The aspartic acid at codon 190 is replaced by asparagine, an amino acid with highly similar properties. This amino acid position is conserved. In addition, this alteration is predicted to be tolerated by in silico analysis. Based on the available evidence, the clinical significance of this variant remains unclear.

NM_024598.4(USB1):c.568G>A (p.Asp190Asn)

Gene: USB1 (U6 snRNA biogenesis phosphodiesterase 1; plus strand). Cytogenetic location: 16q21.
Variant type: single nucleotide variant.
Coding change: c.568G>A on transcript NM_024598.4 (MANE Select); coding-DNA position 568, G replaced by A.
Protein change: p.Asp190Asn; replaces aspartic acid 190 with asparagine.
Molecular consequence: missense variant.
Genome position (GRCh38, 1-based): chr16:58,017,398, G>A. VCF-style: chr16-58017398-G-A. GRCh37 (hg19) VCF-style: chr16-58051302-G-A.
Other names: c.514G>A, p.Asp172Asn (NM_001195302.2); c.415G>A, p.Asp139Asn (NM_001330568.2); short protein forms D139N, D190N, D172N.
Identifiers: ClinVar variation 3187008 (VCV003187008.2), dbSNP rs772999682, ClinGen allele CA8084973.